The following is an entry in ClinVar:

ClinVar aggregate classification (germline): Uncertain significance (1 of 4 stars; one submission).

Allele frequency attached by ClinVar (database versions not stated): gnomAD exomes below 0.00001; TOPMed 0.00002; gnomAD 0.00003.
gnomAD v4.1: 10 of 1,576,580 alleles (0.00063%); highest among the groups gnomAD compares: South Asian, 0.0058%; no homozygotes.

Submission:

Labcorp Genetics (formerly Invitae), Labcorp
Classification: Uncertain significance. Last evaluated: 2024-10-15. Review status: criteria provided, single submitter. Criteria: Invitae Variant Classification Sherloc (09022015). Collection method: clinical testing. Allele origin: germline.
Comment: This sequence change replaces glutamic acid, which is acidic and polar, with lysine, which is basic and polar, at codon 1008 of the ARHGEF18 protein (p.Glu1008Lys). The frequency data for this variant in the population databases is considered unreliable, as metrics indicate poor data quality at this position in the gnomAD database. This variant has not been reported in the literature in individuals affected with ARHGEF18-related conditions. ClinVar contains an entry for this variant (Variation ID: 1928774). An algorithm developed to predict the effect of missense changes on protein structure and function (PolyPhen-2) suggests that this variant is likely to be disruptive. In summary, the available evidence is currently insufficient to determine the role of this variant in disease. Therefore, it has been classified as a Variant of Uncertain Significance.

NM_001367823.1(ARHGEF18):c.3586G>A (p.Glu1196Lys)

Gene: ARHGEF18 (Rho/Rac guanine nucleotide exchange factor 18; plus strand). Cytogenetic location: 19p13.2.
Variant type: single nucleotide variant.
Coding change: c.3586G>A on transcript NM_001367823.1 (MANE Select); coding-DNA position 3586, G replaced by A.
Protein change: p.Glu1196Lys; replaces glutamic acid 1196 with lysine.
Molecular consequence: missense variant.
Genome position (GRCh38, 1-based): chr19:7,468,930, G>A. VCF-style: chr19-7468930-G-A. GRCh37 (hg19) VCF-style: chr19-7533816-G-A.
Other names: c.2860G>A, p.Glu954Lys (NM_001130955.2); c.2548G>A, p.Glu850Lys (NM_001367824.1, NM_015318.4); short protein forms E1196K, E850K, E954K.
Identifiers: ClinVar variation 1928774 (VCV001928774.5), dbSNP rs993334421, ClinGen allele CA304857446.
Genomic context (GRCh38, chr19:7,468,930, plus strand): 5'-GAGGGCCCTCGTGTGAGCATGCTGCCATCCGGCGTGGGGCCAGAGTACGCAGAGCGCCCC[G>A]AGGTGGCTCGCCGGGACAGCGCCCCCACCGAGAACCGGCTGGCCAAGAGCGATGTGCCCA-3'
Protein context (NP_001354752.1, residues 1186-1206): GVGPEYAERP[Glu1196Lys]VARRDSAPTE